The following is an entry in ClinVar:

ClinVar aggregate classification (germline): Uncertain significance (1 of 4 stars; one submission).

gnomAD v4.1: 2 of 1,613,816 alleles (0.00012%); highest among the groups gnomAD compares: Middle Eastern, 0.017%; no homozygotes.

Submission:

Mayo Clinic Laboratories, Mayo Clinic
Classification: Uncertain significance. Last evaluated: 2022-06-28. Review status: criteria provided, single submitter. Criteria: ACMG Guidelines, 2015. Collection method: clinical testing. Allele origin: germline. Observed: 1 variant allele.
Comment: BP4, PM2

NM_003126.4(SPTA1):c.5040C>A (p.Asn1680Lys)

Gene: SPTA1 (spectrin alpha, erythrocytic 1; minus strand). Cytogenetic location: 1q23.1.
Variant type: single nucleotide variant.
Coding change: c.5040C>A on transcript NM_003126.4 (MANE Select); coding-DNA position 5040, C replaced by A.
Protein change: p.Asn1680Lys; replaces asparagine 1680 with lysine.
Molecular consequence: missense variant.
Genome position (GRCh38, 1-based): chr1:158,638,182, G>T on the plus strand (C>A on the coding strand, the complement: SPTA1 is on the minus strand). VCF-style: chr1-158638182-G-T. GRCh37 (hg19) VCF-style: chr1-158607972-G-T.
Other names: p.Asn1680Lys; short protein forms N1680K.
Identifiers: ClinVar variation 2682664 (VCV002682664.1), dbSNP rs749363866, ClinGen allele CA343028861.